The following is an entry in ClinVar:

NM_005055.5(RAPSN):c.506T>C (p.Leu169Pro)

Gene: RAPSN (receptor associated protein of the synapse; minus strand). Cytogenetic location: 11p11.2.
Variant type: single nucleotide variant.
Coding change: c.506T>C on transcript NM_005055.5 (MANE Select); coding-DNA position 506, T replaced by C.
Protein change: p.Leu169Pro; replaces leucine 169 with proline.
Molecular consequence: missense variant. On other transcripts: intron variant (1).
Genome position (GRCh38, 1-based): chr11:47,447,837, A>G on the plus strand (T>C on the coding strand, the complement: RAPSN is on the minus strand). VCF-style: chr11-47447837-A-G. GRCh37 (hg19) VCF-style: chr11-47469389-A-G.
Other names: c.506T>C, p.Leu169Pro (NM_001440490.1, NM_001440491.1, NM_001440492.1 and 12 more transcripts); c.192+936T>C (NM_001440504.1); short protein forms L169P.
Identifiers: ClinVar variation 4526263 (VCV004526263.1).

ClinVar aggregate classification (germline): Uncertain significance (1 of 4 stars; one submission).

gnomAD v4.1: 10 of 1,613,094 alleles (0.00062%); highest among the groups gnomAD compares: Non-Finnish European, 0.00085%; no homozygotes.

Submission:

Women's Health and Genetics/Laboratory Corporation of America, LabCorp
Classification: Uncertain significance. Last evaluated: 2025-07-23. Review status: criteria provided, single submitter. Criteria: LabCorp Variant Classification Summary - May 2015. Collection method: clinical testing. Allele origin: germline.
Comment: Variant summary: RAPSN c.506T>C (p.Leu169Pro) results in a non-conservative amino acid change in the encoded protein sequence. Algorithms developed to predict the effect of missense changes on protein structure and function all suggest that this variant is likely to be disruptive. The variant allele was found at a frequency of 4.1e-06 in 246436 control chromosomes. The available data on variant occurrences in the general population are insufficient to allow any conclusion about variant significance. c.506T>C has been observed in an individual affected with Congenital Myasthenic Syndrome (Beecroft_2020). These data do not allow any conclusion about variant significance. To our knowledge, no experimental evidence demonstrating an impact on protein function has been reported. The following publication have been ascertained in the context of this evaluation (PMID: 32153140). No submitters have cited clinical-significance assessments for this variant to ClinVar. Based on the evidence outlined above, the variant was classified as uncertain significance.

Literature cited by the submitters: PubMed 32153140.